The following is an entry in ClinVar:

ClinVar aggregate classification (germline): Pathogenic. Review status: criteria provided, multiple submitters, no conflicts (2 of 4 stars). 3 submissions from 3 submitters: Pathogenic (2). 1 of the submissions does not count toward it. Last evaluated 2025-03-24.

Conditions:
Cystinosis. Also called: Cystine diathesis; Cystine storage disease; Cystinoses. Identifiers: Orphanet 213, MedGen C4316899, MONDO:0016239.
Nephropathic cystinosis (CTNS). Also called: CYSTINOSIN, DEFECT OF; LYSOSOMAL CYSTINE TRANSPORT PROTEIN, DEFECT OF; Abderhalden Lignac Kaufmann disease; Abderhalden-Kaufmann-Lignac syndrome. Identifiers: Orphanet 213, Orphanet 411629, MedGen C2931187, MONDO:0100151, OMIM 219800.

Submissions (3):

Natera, Inc.
Classification: Pathogenic for Cystinosis. Last evaluated: 2025-03-24. Review status: criteria provided, single submitter. Criteria: Natera Variant Classification Schema (03/2026). Collection method: clinical testing. Allele origin: germline.
Comment: The c.519_520del variant in CTNS is a frameshift variant predicted to shift the reading frame and introduce a stop codon. This variant is expected to result in nonsense mediated decay, truncation, or a dysfunctional protein product. This variant is rare in the general population with a frequency below the threshold expected for the associated phenotype(s). This variant has been observed in one or more individuals affected with the associated recessive disease, as either homozygous or compound heterozygous with a second variant (PMID: 33532864). Given the available evidence, this variant is classified as Pathogenic.

Molecular Biology Laboratory, Fundació Puigvert
Classification: Pathogenic for Nephropathic cystinosis. Last evaluated: 2020-02-01. Review status: criteria provided, single submitter. Criteria: ACMG Guidelines, 2015. Collection method: research. Allele origin: germline. Affected: yes. Study: KidneyPanel_2020.

Counsyl
Classification: Pathogenic for Nephropathic cystinosis. Last evaluated: 2016-08-01. Review status: no assertion criteria provided. Collection method: clinical testing. Allele origin: unknown. Not counted in ClinVar's aggregate classification.

Literature cited by the submitters: PubMed 33532864 (cited by Natera, Inc. and Molecular Biology Laboratory, Fundació Puigvert); PubMed 27451386 (cited by Counsyl); PubMed 21963264 (cited by Counsyl); PubMed 19863563 (cited by Counsyl); PubMed 9537412 (cited by Counsyl).

NM_004937.3(CTNS):c.519_520del (p.Tyr173_Ser174delinsTer)

Genes: CTNS-AS1 (CTNS antisense RNA 1; minus strand), CTNS (cystinosin, lysosomal cystine transporter; plus strand). Cytogenetic location: 17p13.2.
Variant type: Deletion.
Coding change: c.519_520del on transcript NM_004937.3 (MANE Select); coding-DNA positions 519 to 520, 2 bases deleted (CA; older notation c.519_520delCA).
Protein change: p.Tyr173_Ser174delinsTer.
Molecular consequence: nonsense.
Genome position (GRCh38, 1-based): chr17:3,656,544-3,656,545, CA deleted; deleting any 2 consecutive bases within chr17:3,656,543-3,656,545 gives the same sequence; the c. name uses the placement nearest the transcript's 3' end. VCF-style (leftmost placement, unchanged base first): chr17-3656542-TAC-T. GRCh37 (hg19) VCF-style: chr17-3559836-TAC-T.
Other names: c.519_520del, p.Tyr173_Ser174delinsTer (NM_001031681.3, NM_001374492.1); c.78_79del, p.Tyr26_Ser27delinsTer (NM_001374493.1, NM_001374494.1, NM_001374495.1 and 1 more transcripts); c.519_520del (NM_004937.2).
Identifiers: ClinVar variation 371212 (VCV000371212.7), dbSNP rs745365232, ClinGen allele CA8291763.
Genomic context (GRCh38, chr17:3,656,542, plus strand): 5'-TGCAGTGTCATTGGTCTGAGCTTCGACTTCGTGGCTCTGAACCTGACGGGCTTCGTGGCC[TAC>T]AGTGTATTCAACATCGGCCTCCTCTGGGTGCCCTACATCAAGGTACGGCCTTGCCTGCCC-3'